The following is an entry in ClinVar:

NM_006767.4(LZTR1):c.401-5C>G

Gene: LZTR1 (leucine zipper like post translational regulator 1; plus strand). Cytogenetic location: 22q11.21.
Variant type: single nucleotide variant.
Coding change: c.401-5C>G on transcript NM_006767.4 (MANE Select); 5 bases into the intron before coding-DNA position 401, C replaced by G.
Molecular consequence: intron variant.
Genome position (GRCh38, 1-based): chr22:20,988,005, C>G. VCF-style: chr22-20988005-C-G. GRCh37 (hg19) VCF-style: chr22-21342294-C-G.
Identifiers: ClinVar variation 2452071 (VCV002452071.8), dbSNP rs1199776016, ClinGen allele CA638554205.
Genomic context (GRCh38, chr22:20,988,005, plus strand): 5'-TTCCAGGGTTTGAAATCTCCAAGACTGCCCTTTGGGTTTGACAGTTTCTCACTCTCTTTA[C>G]TCAGGGGGTTACACTGGGGACATTTATTCCAATTCTAACTTGAAGAATAAAAACGACCTC-3'

ClinVar aggregate classification (germline): Conflicting classifications of pathogenicity. Review status: criteria provided, conflicting classifications (1 of 4 stars). 4 submissions from 4 submitters: Likely pathogenic (1); Uncertain significance (3). Last evaluated 2025-05-30.

Conditions:
LZTR1-related schwannomatosis. Also called: Schwannomatosis 2; Schwannomatosis-2, susceptibility to. Identifiers: Orphanet 93921, MedGen C3810283, MONDO:0014299, OMIM 615670.
Noonan syndrome 10 (NS10). Identifiers: Orphanet 648, MedGen C4225280, MONDO:0014693, OMIM 616564.
Noonan syndrome 2 (NS2). Identifiers: Orphanet 648, MedGen C1854469, MONDO:0011531, OMIM 605275.
Hereditary cancer-predisposing syndrome. Also called: Neoplastic Syndromes, Hereditary; Tumor predisposition; Hereditary neoplastic syndrome; Hereditary Cancer Syndrome. Identifiers: Orphanet 140162, MedGen C0027672, MeSH D009386, MONDO:0015356.
Cardiovascular phenotype. Identifiers: MedGen CN230736.

Allele frequency attached by ClinVar (database versions not stated): gnomAD exomes below 0.00001; TOPMed below 0.00001; gnomAD 0.00001.
gnomAD v4.1: 6 of 1,548,704 alleles (0.00039%); no homozygotes.

Submissions (4):

Ambry Genetics
Classification: Likely pathogenic for Cardiovascular phenotype; Hereditary cancer-predisposing syndrome. Last evaluated: 2025-05-30. Review status: criteria provided, single submitter. Criteria: Ambry Variant Classification Scheme 2023. Collection method: clinical testing. Allele origin: germline.
Comment: The c.401-5C>G intronic variant results from a C to G substitution 5 nucleotides upstream from coding exon 5 in the LZTR1 gene. This variant was reported in individuals with features consistent with LZTR1-related schwannomatosis (Ambry internal data; external commumnication). This nucleotide position is well conserved in available vertebrate species. In silico splice site analysis predicts that this alteration may weaken the native splice acceptor site and will result in the creation or strengthening of a novel splice acceptor site. RNA studies have demonstrated that this alteration results in abnormal splicing in the set of samples tested (Ambry internal data). This variant is considered to be rare based on population cohorts in the Genome Aggregation Database (gnomAD). Loss-of-function variants in LZTR1 are related to an increased risk for schwannomas and autosomal recessive Noonan syndrome; however, such associations with autosomal dominant Noonan syndrome have not been observed (Piotrowski A et al. Nat Genet. 2014 Feb;46:182-7; Yamamoto GL et al. J Med Genet. 2015 Jun;52:413-21; Johnston JJ et al. Genet Med. 2018 10;20:1175-1185). Based on the supporting evidence, this variant is likely pathogenic for an increased risk of LZTR1-related schwannomatosis (SWN) and would be expected to cause autosomal recessive Noonan syndrome when present along with a second pathogenic or likely pathogenic variant on the other allele; however, the association of this alteration with autosomal dominant Noonan syndrome is unlikely.

Labcorp Genetics (formerly Invitae), Labcorp
Classification: Uncertain significance. Last evaluated: 2025-02-11. Review status: criteria provided, single submitter. Criteria: Invitae Variant Classification Sherloc (09022015). Collection method: clinical testing. Allele origin: germline.
Comment: This sequence change falls in intron 4 of the LZTR1 gene. It does not directly change the encoded amino acid sequence of the LZTR1 protein. This variant is present in population databases (no rsID available, gnomAD 0.01%). This variant has not been reported in the literature in individuals affected with LZTR1-related conditions. ClinVar contains an entry for this variant (Variation ID: 2452071). Algorithms developed to predict the effect of sequence changes on RNA splicing suggest that this variant may disrupt the consensus splice site. In summary, the available evidence is currently insufficient to determine the role of this variant in disease. Therefore, it has been classified as a Variant of Uncertain Significance.

Fulgent Genetics
Classification: Uncertain significance for Noonan syndrome 2; LZTR1-related schwannomatosis; Noonan syndrome 10. Last evaluated: 2024-02-05. Review status: criteria provided, single submitter. Criteria: ACMG Guidelines, 2015. Collection method: clinical testing. Allele origin: germline.

Baylor Genetics
Classification: Uncertain significance for LZTR1-related schwannomatosis. Last evaluated: 2023-10-01. Review status: criteria provided, single submitter. Criteria: ACMG Guidelines, 2015. Collection method: clinical testing. Allele origin: unknown.